The following is an entry in ClinVar:

ClinVar aggregate classification (germline): Likely pathogenic (1 of 4 stars; one submission).

Conditions:
Weill-Marchesani 4 syndrome, recessive. Also called: Weill-Marchesani syndrome 4. Identifiers: Orphanet 363992, MedGen C2750787, MONDO:0013176, OMIM 613195.

gnomAD v4.1: 2 of 1,613,992 alleles (0.00012%); highest among the groups gnomAD compares: Non-Finnish European, 0.000085%; no homozygotes.

Submission:

Juno Genomics, Hangzhou Juno Genomics, Inc
Classification: Likely pathogenic for Weill-Marchesani 4 syndrome, recessive. Review status: criteria provided, single submitter. Criteria: ACMG Guidelines, 2015. Collection method: clinical testing. Allele origin: germline.
Comment: Null variant in a gene where loss of function (LOF) is a known mechanism of disease.;Absent from controls (or at extremely low frequency if recessive) in Genome Aggregation Database.

NM_139057.4(ADAMTS17):c.1218C>A (p.Cys406Ter)

Gene: ADAMTS17 (ADAM metallopeptidase with thrombospondin type 1 motif 17; minus strand). Cytogenetic location: 15q26.3.
Variant type: single nucleotide variant.
Coding change: c.1218C>A on transcript NM_139057.4 (MANE Select); coding-DNA position 1218, C replaced by A.
Protein change: p.Cys406Ter; replaces cysteine 406 with a stop codon.
Molecular consequence: nonsense.
Genome position (GRCh38, 1-based): chr15:100,155,284, G>T on the plus strand (C>A on the coding strand, the complement: ADAMTS17 is on the minus strand). VCF-style: chr15-100155284-G-T. GRCh37 (hg19) VCF-style: chr15-100695489-G-T.
Other names: short protein forms C406*.
Identifiers: ClinVar variation 5005368 (VCV005005368.2).
Genomic context (GRCh38, chr15:100,155,284, plus strand): 5'-GAGGTCACTTGGGTTCCGGCCTTTCACCCACTCTCCTGACATGATGTGGGACCTGCCAGC[G>T]CAAGATGAGTGGTCATCGTCGTGGTTCATGCCCAAGCTGTCCAAGAAGGAGGAGAGAGGG-3'